The following is an entry in ClinVar:

ClinVar aggregate classification (germline): Uncertain significance (1 of 4 stars; one submission).

Conditions:
Catecholaminergic polymorphic ventricular tachycardia 1. Also called: RYR2-Related Catecholaminergic Polymorphic Ventricular Tachycardia; VENTRICULAR TACHYCARDIA, STRESS-INDUCED POLYMORPHIC 1; VENTRICULAR TACHYCARDIA, CATECHOLAMINERGIC POLYMORPHIC, 1, WITH OR WITHOUT ATRIAL DYSFUNCTION AND/OR DILATED CARDIOMYOPATHY. Identifiers: Orphanet 3286, MedGen C1631597, MONDO:0011484, OMIM 604772.

Submission:

Labcorp Genetics (formerly Invitae), Labcorp
Classification: Uncertain significance for Catecholaminergic polymorphic ventricular tachycardia 1. Last evaluated: 2022-05-10. Review status: criteria provided, single submitter. Criteria: Invitae Variant Classification Sherloc (09022015). Collection method: clinical testing. Allele origin: germline.
Comment: This sequence change replaces proline, which is neutral and non-polar, with threonine, which is neutral and polar, at codon 4337 of the RYR2 protein (p.Pro4337Thr). This variant is not present in population databases (gnomAD no frequency). This variant has not been reported in the literature in individuals affected with RYR2-related conditions. Advanced modeling of protein sequence and biophysical properties (such as structural, functional, and spatial information, amino acid conservation, physicochemical variation, residue mobility, and thermodynamic stability) performed at Invitae indicates that this missense variant is expected to disrupt RYR2 protein function. In summary, the available evidence is currently insufficient to determine the role of this variant in disease. Therefore, it has been classified as a Variant of Uncertain Significance.

NM_001035.3(RYR2):c.13009C>A (p.Pro4337Thr)

Genes: RYR2 (ryanodine receptor 2; plus strand), LOC126806068 (BRD4-independent group 4 enhancer GRCh37_chr1:237947411-237948610; plus strand). Cytogenetic location: 1q43.
Variant type: single nucleotide variant.
Coding change: c.13009C>A on transcript NM_001035.3 (MANE Select); coding-DNA position 13009, C replaced by A.
Protein change: p.Pro4337Thr; replaces proline 4337 with threonine.
Molecular consequence: missense variant.
Genome position (GRCh38, 1-based): chr1:237,784,721, C>A. VCF-style: chr1-237784721-C-A. GRCh37 (hg19) VCF-style: chr1-237948021-C-A.
Other names: short protein forms P4337T.
Identifiers: ClinVar variation 1901388 (VCV001901388.2), dbSNP rs1274600114, ClinGen allele CA345415002.